The following is an entry in ClinVar:

ClinVar aggregate classification (germline): Likely benign. Review status: criteria provided, multiple submitters, no conflicts (2 of 4 stars). 2 submissions from 2 submitters: Likely benign (2). Last evaluated 2026-02-01.

Submissions (2):

CeGaT Center for Human Genetics Tuebingen
Classification: Likely benign. Last evaluated: 2026-02-01. Review status: criteria provided, single submitter. Criteria: CeGaT Center For Human Genetics Tuebingen Variant Classification Criteria Version 2. Collection method: clinical testing. Allele origin: germline. Affected: yes. Observed: 1 variant allele.
Comment: ATXN7: BS1

Blueprint Genetics
Classification: Likely benign. Last evaluated: 2024-11-21. Review status: criteria provided, single submitter. Criteria: ACMG Guidelines, 2015. Collection method: clinical testing. Allele origin: germline.

NM_001377405.1(ATXN7):c.118_119insAGCAGCCGC (p.Gln39_Pro40insGlnGlnPro)

Genes: ATXN7 (ataxin 7; plus strand), LOC108660406 (ataxin 7 repeat instability region; plus strand), LOC129936979 (ATAC-STARR-seq lymphoblastoid silent region 14501; plus strand). Cytogenetic location: 3p14.1.
Variant type: Microsatellite.
Coding change: c.118_119insAGCAGCCGC on transcript NM_001377405.1 (MANE Select); coding-DNA positions 118 to 119, AGCAGCCGC inserted.
Protein change: p.Gln39_Pro40insGlnGlnPro.
Molecular consequence: inframe insertion.
Genome position: GRCh38 VCF-style: chr3-63912714-A-AGCAGCAGCC. GRCh37 (hg19) VCF-style: chr3-63898390-A-AGCAGCAGCC.
Other names: c.118_119insAGCAGCCGC, p.Gln39_Pro40insGlnGlnPro (NM_000333.4, NM_001177387.1, NM_001377406.1).
Identifiers: ClinVar variation 4820664 (VCV004820664.5).
Genomic context (GRCh38, chr3:63,912,714, plus strand): 5'-CGGCGGGCGGAGCAGCGGCCGCGGCCGCCCGGCAGCAGCAGCAGCAGCAGCAGCAGCAGC[A>AGCAGCAGCC]GCCGCCGCCTCCGCAGCCCCAGCGGCAGCAGCACCCGCCACCGCCGCCACGGCGCACACG-3'